The following is an entry in ClinVar:

NM_000533.5(PLP1):c.697-2A>C

Genes: PLP1 (proteolipid protein 1; plus strand), RAB9B (RAB9B, member RAS oncogene family; minus strand). Cytogenetic location: Xq22.2.
Variant type: single nucleotide variant.
Coding change: c.697-2A>C on transcript NM_000533.5 (MANE Select); the canonical splice acceptor site of the intron before coding-DNA position 697, A replaced by C.
Molecular consequence: splice acceptor variant.
Genome position (GRCh38, 1-based): chrX:103,789,331, A>C. VCF-style: chrX-103789331-A-C. GRCh37 (hg19) VCF-style: chrX-103044260-A-C.
Other names: c.697-2A>C (NM_001128834.3); c.592-2A>C (NM_199478.3); c.532-2A>C (NM_001305004.1).
Identifiers: ClinVar variation 3255449 (VCV003255449.2), dbSNP rs2522322584.

ClinVar aggregate classification (germline): Pathogenic (1 of 4 stars; one submission).

Conditions:
Pelizaeus-Merzbacher disease. Also called: LEUKODYSTROPHY, HYPOMYELINATING, 1; Sudanophilic leukodystrophy; Pelizaeus-Merzbacher spectrum disorder; Pelizaeus-Merzbacher Disease (PMD); Pelizeaus-Merzbacher spectrum disorder. Identifiers: Orphanet 702, MedGen C0205711, MONDO:0010714, OMIM 312080, HP:0003269.

Submission:

Molecular Diagnostics Lab, Nemours Children's Health, Delaware
Classification: Pathogenic for Pelizaeus-Merzbacher disease. Last evaluated: 2022-01-24. Review status: criteria provided, single submitter. Criteria: ACMG Guidelines, 2015. Collection method: clinical testing. Allele origin: unknown. Inheritance: X-linked inheritance. Affected: yes. Observed: 1 hemizygote.
Comment: This intronic variant (c.697-2A>C) has not been observed in population databases (gnomAD) and has not been described in the literature. Splice prediction programs indicate a deleterious effect on normal splicing.